The following is an entry in ClinVar:

ClinVar aggregate classification (germline): Uncertain significance (1 of 4 stars; one submission).

Submission:

Ambry Genetics
Classification: Uncertain significance. Last evaluated: 2024-03-27. Review status: criteria provided, single submitter. Criteria: Ambry Variant Classification Scheme 2023. Collection method: clinical testing. Allele origin: germline.
Comment: The p.I229V variant (also known as c.685A>G), located in coding exon 8 of the FAM175A gene, results from an A to G substitution at nucleotide position 685. The isoleucine at codon 229 is replaced by valine, an amino acid with highly similar properties. This amino acid position is conserved. In addition, this alteration is predicted to be tolerated by in silico analysis. Based on the available evidence, the clinical significance of this alteration remains unclear.

NM_139076.3(ABRAXAS1):c.685A>G (p.Ile229Val)

Gene: ABRAXAS1 (abraxas 1, BRCA1 A complex subunit; minus strand). Cytogenetic location: 4q21.23.
Variant type: single nucleotide variant.
Coding change: c.685A>G on transcript NM_139076.3 (MANE Select); coding-DNA position 685, A replaced by G.
Protein change: p.Ile229Val; replaces isoleucine 229 with valine.
Molecular consequence: missense variant.
Genome position (GRCh38, 1-based): chr4:83,463,605, T>C on the plus strand (A>G on the coding strand, the complement: ABRAXAS1 is on the minus strand). VCF-style: chr4-83463605-T-C. GRCh37 (hg19) VCF-style: chr4-84384758-T-C.
Other names: c.358A>G, p.Ile120Val (NM_001345962.2); short protein forms I120V, I229V.
Identifiers: ClinVar variation 3333117 (VCV003333117.1).